The following is an entry in ClinVar:

NM_001966.4(EHHADH):c.2161A>G (p.Ser721Gly)

Gene: EHHADH (enoyl-CoA hydratase and 3-hydroxyacyl CoA dehydrogenase; minus strand). Cytogenetic location: 3q27.2.
Variant type: single nucleotide variant.
Coding change: c.2161A>G on transcript NM_001966.4 (MANE Select); coding-DNA position 2161, A replaced by G.
Protein change: p.Ser721Gly; replaces serine 721 with glycine.
Molecular consequence: missense variant.
Genome position (GRCh38, 1-based): chr3:185,192,237, T>C on the plus strand (A>G on the coding strand, the complement: EHHADH is on the minus strand). VCF-style: chr3-185192237-T-C. GRCh37 (hg19) VCF-style: chr3-184910025-T-C.
Other names: c.1873A>G, p.Ser625Gly (NM_001166415.2); c.2161A>G (NM_001966.3); short protein forms S721G, S625G.
Identifiers: ClinVar variation 501844 (VCV000501844.6), dbSNP rs138945273, ClinGen allele CA2738837.

ClinVar aggregate classification (germline): Likely benign. Review status: criteria provided, single submitter (1 of 4 stars). 2 submissions from 2 submitters: Likely benign (1). 1 of the submissions does not count toward it. Last evaluated 2017-05-09.

Conditions:
EHHADH-related disorder. Also called: EHHADH-related condition.

Allele frequency attached by ClinVar (database versions not stated): gnomAD exomes 0.00009 and 0.00023; ExAC 0.00029; ESP Exome Variant Server 0.00085; gnomAD 0.00093 and 0.00096; TOPMed 0.00094; 1000 Genomes Project 0.00220; 1000 Genomes Project 30x 0.00234.
gnomAD v4.1: 270 of 1,612,884 alleles (0.017%); highest among the groups gnomAD compares: African/African-American, 0.33%; 2 homozygotes.

Submissions (2):

Eurofins Ntd Llc (ga)
Classification: Likely benign. Last evaluated: 2017-05-09. Review status: criteria provided, single submitter. Criteria: EGL Classification Definitions 2015. Collection method: clinical testing. Allele origin: germline. Observed: 1 variant allele, 1 heterozygote.

PreventionGenetics, part of Exact Sciences
Classification: Likely benign for EHHADH-related condition. Last evaluated: 2024-07-24. Review status: no assertion criteria provided. Collection method: clinical testing. Allele origin: germline. Not counted in ClinVar's aggregate classification.
Comment: This variant is classified as likely benign based on ACMG/AMP sequence variant interpretation guidelines (Richards et al. 2015 PMID: 25741868, with internal and published modifications).